The following is an entry in ClinVar:

ClinVar aggregate classification (germline): Benign/Likely benign. Review status: criteria provided, multiple submitters, no conflicts (2 of 4 stars). 5 submissions from 5 submitters: Benign (1); Likely benign (4). Last evaluated 2026-01-28.

Conditions:
Ehlers-Danlos syndrome, kyphoscoliotic type, 2. Also called: Ehlers-Danlos syndrome with progressive kyphoscoliosis, myopathy, and hearing loss; Ehlers-Danlos syndrome, kyphoscoliotic and deafness type; FKBP14-Kyphoscoliotic Ehlers-Danlos Syndrome. Identifiers: Orphanet 300179, MedGen C3281160, MONDO:0013800, OMIM 614557.
Cardiovascular phenotype. Identifiers: MedGen CN230736.

Allele frequency attached by ClinVar (database versions not stated): 1000 Genomes Project 30x 0.00016; 1000 Genomes Project 0.00020; TOPMed 0.00024; ESP Exome Variant Server 0.00038; gnomAD exomes 0.00040; ExAC 0.00044; gnomAD 0.00044 and 0.00046.
gnomAD v4.1: 702 of 1,614,190 alleles (0.043%); highest among the groups gnomAD compares: Non-Finnish European, 0.046%; 2 homozygotes.

Submissions (5):

Labcorp Genetics (formerly Invitae), Labcorp
Classification: Benign for Ehlers-Danlos syndrome, kyphoscoliotic type, 2. Last evaluated: 2026-01-28. Review status: criteria provided, single submitter. Criteria: Invitae Variant Classification Sherloc (09022015). Collection method: clinical testing. Allele origin: germline.

Mayo Clinic Laboratories, Mayo Clinic
Classification: Likely benign. Last evaluated: 2025-02-04. Review status: criteria provided, single submitter. Criteria: ACMG Guidelines, 2015. Collection method: clinical testing. Allele origin: germline. Observed: 7 variant alleles.
Comment: BP4, BP7

Blueprint Genetics
Classification: Likely benign. Last evaluated: 2024-11-27. Review status: criteria provided, single submitter. Criteria: ACMG Guidelines, 2015. Collection method: clinical testing. Allele origin: germline.

GeneDx
Classification: Likely benign. Last evaluated: 2021-06-28. Review status: criteria provided, single submitter. Criteria: GeneDx Variant Classification Process June 2021. Collection method: clinical testing. Allele origin: germline. Affected: yes.

Ambry Genetics
Classification: Likely benign for Cardiovascular phenotype. Last evaluated: 2019-06-27. Review status: criteria provided, single submitter. Criteria: Ambry Variant Classification Scheme 2023. Collection method: clinical testing. Allele origin: germline.

NM_017946.4(FKBP14):c.123G>A (p.Lys41=)

Genes: FKBP14 (FKBP prolyl isomerase 14; minus strand), FKBP14-AS1 (FKBP14 antisense RNA 1; plus strand). Cytogenetic location: 7p14.3.
Variant type: single nucleotide variant.
Coding change: c.123G>A on transcript NM_017946.4 (MANE Select); coding-DNA position 123, G replaced by A.
Protein change: p.Lys41=; no amino-acid change (lysine 41 retained).
Molecular consequence: synonymous variant. On other transcripts: non-coding transcript variant (2).
Genome position (GRCh38, 1-based): chr7:30,026,386, C>T on the plus strand (G>A on the coding strand, the complement: FKBP14 is on the minus strand). VCF-style: chr7-30026386-C-T. GRCh37 (hg19) VCF-style: chr7-30066002-C-T.
Other names: p.Lys41=.
Identifiers: ClinVar variation 511778 (VCV000511778.18), dbSNP rs149485427, ClinGen allele CA4203500.